The following is an entry in ClinVar:

NM_001375380.1(EBF3):c.1561+3_1561+6del

Gene: EBF3 (EBF transcription factor 3; minus strand). Cytogenetic location: 10q26.3.
Variant type: Deletion.
Coding change: c.1561+3_1561+6del on transcript NM_001375380.1 (MANE Select); bases 3 to 6 of the intron after coding-DNA position 1561, 4 bases deleted (AAGT; older notation c.1561+3_1561+6delAAGT).
Molecular consequence: splice donor variant. On other transcripts: intron variant (1).
Genome position (GRCh38, 1-based): chr10:129,840,838-129,840,841, ACTT deleted on the plus strand (AAGT on the coding strand, the reverse complement: EBF3 is on the minus strand); deleting any 4 consecutive bases within chr10:129,840,838-129,840,844 gives the same sequence; the c. name uses the placement nearest the transcript's 3' end. VCF-style (leftmost placement, unchanged base first): chr10-129840837-CACTT-C. GRCh37 (hg19) VCF-style: chr10-131639101-CACTT-C.
Other names: c.1346-399_1346-396del (NM_001375392.1); c.1534+3_1534+6del (NM_001005463.3, NM_001375390.1); c.1561+3_1561+6del (NM_001375391.1, NM_001375389.1, NM_001375379.1).
Identifiers: ClinVar variation 4071606 (VCV004071606.1).
Genomic context (GRCh38, chr10:129,840,837, plus strand): 5'-TGCACACACTCGACTCGGTAGTGAATATGAATCTGCGTGATGACGTGTGACAAAAACAGA[CACTT>C]ACTGCCGTAGGGAGAGTTAGCGGAGGAGCCATTAAGAAATCCAGGCGAGCCAGGGACCCC-3'

ClinVar aggregate classification (germline): Likely pathogenic (1 of 4 stars; one submission).

Submission:

GeneDx
Classification: Likely pathogenic. Last evaluated: 2025-01-28. Review status: criteria provided, single submitter. Criteria: GeneDx Variant Classification Process June 2021. Collection method: clinical testing. Allele origin: germline. Affected: yes.
Comment: Intronic +5 splice site variant in a gene for which loss of function is a known mechanism of disease, and both splice predictors and evolutionary conservation support a deleterious effect, although in the absence of functional evidence the actual effect of this sequence change is unknown.; Not observed at significant frequency in large population cohorts (gnomAD); Has not been previously published as pathogenic or benign to our knowledge